The following is an entry in ClinVar:

ClinVar aggregate classification (germline): Uncertain significance. Review status: criteria provided, multiple submitters, no conflicts (2 of 4 stars). 2 submissions from 2 submitters: Uncertain significance (2). Last evaluated 2026-05-13.

Conditions:
Mowat-Wilson syndrome (MOWS). Also called: Classic Mowat-Wilson Syndrome. Identifiers: Orphanet 2152, MedGen C1856113, MONDO:0009341, OMIM 235730.
Inborn genetic diseases. Identifiers: MedGen C0950123, MeSH D030342.

Submissions (2):

Ambry Genetics
Classification: Uncertain significance for Inborn genetic diseases. Last evaluated: 2026-05-13. Review status: criteria provided, single submitter. Criteria: Ambry Variant Classification Scheme 2023. Collection method: clinical testing. Allele origin: germline.

Labcorp Genetics (formerly Invitae), Labcorp
Classification: Uncertain significance for Mowat-Wilson syndrome. Last evaluated: 2026-01-11. Review status: criteria provided, single submitter. Criteria: Invitae Variant Classification Sherloc (09022015). Collection method: clinical testing. Allele origin: germline.
Comment: This sequence change replaces histidine, which is basic and polar, with glutamine, which is neutral and polar, at codon 407 of the ZEB2 protein (p.His407Gln). This variant is not present in population databases (gnomAD no frequency). This variant has not been reported in the literature in individuals affected with ZEB2-related conditions. ClinVar contains an entry for this variant (Variation ID: 1423213). Invitae Evidence Modeling of protein sequence and biophysical properties (such as structural, functional, and spatial information, amino acid conservation, physicochemical variation, residue mobility, and thermodynamic stability) indicates that this missense variant is not expected to disrupt ZEB2 protein function with a negative predictive value of 80%. In summary, the available evidence is currently insufficient to determine the role of this variant in disease. Therefore, it has been classified as a Variant of Uncertain Significance.

NM_014795.4(ZEB2):c.1221C>A (p.His407Gln)

Gene: ZEB2 (zinc finger E-box binding homeobox 2; minus strand). Cytogenetic location: 2q22.3.
Variant type: single nucleotide variant.
Coding change: c.1221C>A on transcript NM_014795.4 (MANE Select); coding-DNA position 1221, C replaced by A.
Protein change: p.His407Gln; replaces histidine 407 with glutamine.
Molecular consequence: missense variant.
Genome position (GRCh38, 1-based): chr2:144,399,966, G>T on the plus strand (C>A on the coding strand, the complement: ZEB2 is on the minus strand). VCF-style: chr2-144399966-G-T. GRCh37 (hg19) VCF-style: chr2-145157533-G-T.
Other names: c.1149C>A, p.His383Gln (NM_001171653.2); c.1221C>A (NM_014795.3); short protein forms H407Q, H383Q.
Identifiers: ClinVar variation 1423213 (VCV001423213.9), dbSNP rs144613207, ClinGen allele CA348712326.